The following is an entry in ClinVar:

NC_000014.8:g.(?_102843059)_(102843297_?)dup

Gene: TECPR2 (tectonin beta-propeller repeat containing 2; plus strand). Cytogenetic location: 14q32.31.
Variant type: Duplication.
Identifiers: ClinVar variation 2425982 (VCV002425982.5).

ClinVar aggregate classification (germline): Uncertain significance (1 of 4 stars; one submission).

Conditions:
Hereditary spastic paraplegia 49 (HSAN9). Also called: NEUROPATHY, HEREDITARY SENSORY AND AUTONOMIC, TYPE IX, WITH DEVELOPMENTAL DELAY; Spastic paraplegia 49, autosomal recessive; TECPR2-Related Hereditary Sensory and Autonomic Neuropathy with Intellectual Disability. Identifiers: Orphanet 320385, MedGen C5190860, MONDO:0014016, OMIM 615031.

Submission:

Labcorp Genetics (formerly Invitae), Labcorp
Classification: Uncertain significance for Hereditary spastic paraplegia 49. Last evaluated: 2022-06-03. Review status: criteria provided, single submitter. Criteria: Invitae Variant Classification Sherloc (09022015). Collection method: clinical testing. Allele origin: germline.
Comment: This variant results in a copy number gain of the genomic region encompassing exon(s) 2 of the TECPR2 gene. This region includes the initiator codon of the gene. This copy number gain extends beyond the assayed region for this gene and therefore may encompass additional genes. As the precise location of this event is unknown, it may be in tandem or it may be located elsewhere in the genome. This variant has not been reported in the literature in individuals affected with TECPR2-related conditions. In summary, the available evidence is currently insufficient to determine the role of this variant in disease. Therefore, it has been classified as a Variant of Uncertain Significance.